The following is an entry in ClinVar:

ClinVar aggregate classification (germline): Uncertain significance. Review status: criteria provided, multiple submitters, no conflicts (2 of 4 stars). 2 submissions from 2 submitters: Uncertain significance (2). Last evaluated 2025-01-28.

Conditions:
Inborn genetic diseases. Identifiers: MedGen C0950123, MeSH D030342.

Allele frequency attached by ClinVar (database versions not stated): ExAC 0.00005; TOPMed 0.00006; gnomAD 0.00011; gnomAD exomes 0.00011; 1000 Genomes Project 0.00020; 1000 Genomes Project 30x 0.00031.

Submissions (2):

Ambry Genetics
Classification: Uncertain significance for Inborn genetic diseases. Last evaluated: 2025-01-28. Review status: criteria provided, single submitter. Criteria: Ambry Variant Classification Scheme 2023. Collection method: clinical testing. Allele origin: germline.

GeneDx
Classification: Uncertain significance. Last evaluated: 2024-11-11. Review status: criteria provided, single submitter. Criteria: GeneDx Variant Classification Process June 2021. Collection method: clinical testing. Allele origin: germline. Affected: yes.
Comment: Not observed at significant frequency in large population cohorts (gnomAD); In silico analysis indicates that this missense variant does not alter protein structure/function; Has not been previously published as pathogenic or benign to our knowledge

NM_005559.4(LAMA1):c.5014A>G (p.Met1672Val)

Gene: LAMA1 (laminin subunit alpha 1; minus strand). Cytogenetic location: 18p11.31.
Variant type: single nucleotide variant.
Coding change: c.5014A>G on transcript NM_005559.4 (MANE Select); coding-DNA position 5014, A replaced by G.
Protein change: p.Met1672Val; replaces methionine 1672 with valine.
Molecular consequence: missense variant.
Genome position (GRCh38, 1-based): chr18:6,992,715, T>C on the plus strand (A>G on the coding strand, the complement: LAMA1 is on the minus strand). VCF-style: chr18-6992715-T-C. GRCh37 (hg19) VCF-style: chr18-6992714-T-C.
Other names: short protein forms M1672V.
Identifiers: ClinVar variation 2379268 (VCV002379268.4), dbSNP rs535004612, ClinGen allele CA8881719.